The following is an entry in ClinVar:

ClinVar aggregate classification (germline): Benign. Review status: criteria provided, multiple submitters, no conflicts (2 of 4 stars). 18 submissions from 18 submitters: Benign (11). 7 of the submissions do not count toward it. Last evaluated 2026-02-04.
ClinVar aggregate classification (somatic clinical impact): Tier IV - Benign/Likely benign (0 of 4 stars; one submission).

Conditions:
BRCA2-related cancer predisposition. Identifiers: MedGen CN377758, MONDO:0700269.
Breast ductal adenocarcinoma. Also called: Ductal breast carcinoma; Breast cancer, invasive ductal. Identifiers: MedGen C1527349, MONDO:0005590.
Hereditary breast ovarian cancer syndrome. Also called: Hereditary breast and ovarian cancer; BRCA1- and BRCA2-Associated Hereditary Breast and Ovarian Cancer; Hereditary breast and/or ovarian cancer syndrome; Hereditary breast and ovarian cancer syndrome; Hereditary breast and ovarian cancer syndrome (HBOC); Breast and ovarian cancer. Identifiers: Orphanet 145, MedGen C0677776, MeSH D061325, MONDO:0003582. Disease mechanism: loss of function.
Breast-ovarian cancer, familial, susceptibility to, 2 (BROVCA2). Also called: BRCA2 Hereditary Breast and Ovarian Cancer. Identifiers: Orphanet 145, MedGen C2675520, MONDO:0012933, OMIM 612555. Disease mechanism: loss of function.
Familial cancer of breast. Also called: hereditary breast carcinoma; Hereditary breast cancer; BREAST CANCER, FAMILIAL. Identifiers: Orphanet 227535, MedGen C0346153, MONDO:0016419, OMIM 114480. Disease mechanism: loss of function.

Allele frequency attached by ClinVar (database versions not stated): gnomAD 0.97902 and 0.98039; ExAC 0.99372; gnomAD exomes 0.99488 and 0.99801; 1000 Genomes Project 30x 0.97455; 1000 Genomes Project 0.97584; ESP Exome Variant Server 0.97770; TOPMed 0.97811.
gnomAD v4.1: 1,607,588 of 1,613,598 alleles (100%); highest among the groups gnomAD compares: East Asian, 100%; 800,969 homozygotes.

Submissions (19):

Labcorp Genetics (formerly Invitae), Labcorp
Classification: Benign for Hereditary breast ovarian cancer syndrome. Last evaluated: 2026-02-04. Review status: criteria provided, single submitter. Criteria: Invitae Variant Classification Sherloc (09022015). Collection method: clinical testing. Allele origin: germline.

ARUP Laboratories, Molecular Genetics and Genomics, ARUP Laboratories
Classification: Benign. Last evaluated: 2025-07-31. Review status: criteria provided, single submitter. Criteria: ARUP Molecular Germline Variant Investigation Process 2024. Collection method: clinical testing. Allele origin: germline.

GeneKor MSA
Classification: Benign for Hereditary breast ovarian cancer syndrome. Last evaluated: 2025-07-10. Review status: criteria provided, single submitter. Criteria: ACMG Guidelines, 2015. Collection method: clinical testing. Allele origin: germline.

Blueprint Genetics
Classification: Benign. Last evaluated: 2024-11-27. Review status: criteria provided, single submitter. Criteria: ACMG Guidelines, 2015. Collection method: clinical testing. Allele origin: germline.

All of Us Research Program, National Institutes of Health
Classification: Benign for BRCA2-related cancer predisposition. Last evaluated: 2024-10-03. Review status: criteria provided, single submitter. Criteria: ACMG Guidelines, 2015. Collection method: clinical testing. Allele origin: germline. Inheritance: Autosomal dominant inheritance. Observed: 143,423 variant alleles, 1,595 heterozygotes, 141,796 homozygotes, 32 hemizygotes.
Comment: This study involves interpretation of variants in research participants for the purpose of population health screening. Participant phenotype was not available at the time of variant classification. Additional details can be found in publication PMID: 35346344, PMCID: PMC8962531

National Health Laboratory Service, Universitas Academic Hospital and University of the Free State
Classification: Benign for Hereditary breast ovarian cancer syndrome. Last evaluated: 2022-04-19. Review status: criteria provided, single submitter. Criteria: ACMG Guidelines, 2015. Collection method: clinical testing. Allele origin: germline. Affected: yes. Observed: 1,363 variant alleles.

Mendelics
Classification: Benign for Breast-ovarian cancer, familial, susceptibility to, 2. Last evaluated: 2019-05-28. Review status: criteria provided, single submitter. Criteria: Mendelics Assertion Criteria 2017. Collection method: clinical testing. Allele origin: unknown.

Laboratory for Molecular Medicine, Mass General Brigham Personalized Medicine
Classification: Benign. Last evaluated: 2016-02-25. Review status: criteria provided, single submitter. Criteria: LMM Criteria. Collection method: clinical testing. Allele origin: germline. Observed: 16 variant alleles.
Comment: This is a RefSeq error. The reference base (c.7397T) is the minor allele. This a llele (T) has been identified in 6.7% (696/10392) of African chromosomes by the Exome Aggregation Consortium (ExAC; dbSNP rs1695 47) and thus meets criteria to be classified as benign.

Eurofins Ntd Llc (ga)
Classification: Benign. Last evaluated: 2015-10-23. Review status: criteria provided, single submitter. Criteria: EGL Classification Definitions 2015. Collection method: clinical testing. Allele origin: germline. Observed: 406 variant alleles, 8 heterozygotes, 398 homozygotes.

Breakthrough Genomics
Classification: Benign. Review status: criteria provided, single submitter. Criteria: ACMG Guidelines, 2015. Collection method: not provided. Allele origin: germline. Inheritance: Autosomal recessive inheritance. Affected: yes.

GreenArray Genomic Research & Solutions of Accurate Diagnostic Private Limited
Classification: Benign for Breast-ovarian cancer, familial, susceptibility to, 2. Review status: criteria provided, single submitter. Criteria: ACMG Guidelines, 2015. Collection method: clinical testing. Allele origin: germline. Affected: no.

Next Generation Diagnostics, Novartis Institutes for BioMedical Research, Inc.
Classification: Uncertain significance for Breast ductal adenocarcinoma. Last evaluated: 2015-07-20. Review status: no assertion criteria provided. Collection method: research. Allele origin: germline. Affected: yes. Not counted in ClinVar's aggregate classification.

ITMI
No classification provided. Condition: AllHighlyPenetrant. Last evaluated: 2013-09-19. Review status: no classification provided. Collection method: reference population. Allele origin: germline. Not counted in ClinVar's aggregate classification.
Comment: Please see associated publication for description of ethnicities

Clinical Genetics Laboratory, Department of Pathology, Netherlands Cancer Institute
Classification: Benign. Review status: no assertion criteria provided. Collection method: clinical testing. Allele origin: germline. Affected: yes. Study: VKGL Data-share Consensus. Not counted in ClinVar's aggregate classification.

Department of Pathology and Laboratory Medicine, Sinai Health System
Classification: Benign. Review status: no assertion criteria provided. Collection method: clinical testing. Allele origin: unknown. Affected: yes. Observed: 3 variant alleles. Study: The Canadian Open Genetics Repository (COGR). Not counted in ClinVar's aggregate classification.

Diagnostic Laboratory, Department of Genetics, University Medical Center Groningen
Classification: Benign. Review status: no assertion criteria provided. Collection method: clinical testing. Allele origin: germline. Affected: yes. Study: VKGL Data-share Consensus. Not counted in ClinVar's aggregate classification.

Faculté Pluridciplinaire Nador, Université Mohamed Premier
Classification: Tier IV - Benign/Likely benign for Familial cancer of breast. Review status: no assertion criteria provided. Collection method: research. Allele origin: somatic. Affected: yes.
Comment: The following databases and algorithms are used to annotate and evaluate the impact of the variant in the context of human disease: 1000 genomes, gnomAD, ClinVar, OMIM, dbSNP, NCIB RefSeq Genes, ExAC Gene Constraints, VS-SIFT, VS-PolyPhen2, PhyloP, GERP++, GeneSplicer, MaxEntScan, NNSplice, PWM Splice Predictor.

Genome Diagnostics Laboratory, University Medical Center Utrecht
Classification: Benign. Review status: no assertion criteria provided. Collection method: clinical testing. Allele origin: germline. Affected: yes. Study: VKGL Data-share Consensus. Not counted in ClinVar's aggregate classification.

Joint Genome Diagnostic Labs from Nijmegen and Maastricht, Radboudumc and MUMC+
Classification: Benign. Review status: no assertion criteria provided. Collection method: clinical testing. Allele origin: germline. Affected: yes. Study: VKGL Data-share Consensus. Not counted in ClinVar's aggregate classification.

Literature cited by the submitters: DOI 10.3389/fgene.2022.834265 (cited by National Health Laboratory Service, Universitas Academic Hospital and University of the Free State); PubMed 24728327 (cited by ITMI).

NM_000059.4(BRCA2):c.7397T>C (p.Val2466Ala)

Gene: BRCA2 (BRCA2 DNA repair associated; plus strand). Cytogenetic location: 13q13.1.
Variant type: single nucleotide variant.
Coding change: c.7397T>C on transcript NM_000059.4 (MANE Select); coding-DNA position 7397, T replaced by C.
Protein change: p.Val2466Ala; replaces valine 2466 with alanine.
Molecular consequence: missense variant.
Genome position (GRCh38, 1-based): chr13:32,355,250, T>C. VCF-style: chr13-32355250-T-C. GRCh37 (hg19) VCF-style: chr13-32929387-T-C.
Other names: NP_000050.3:p.Val2466Ala; short protein forms V2466A.
Identifiers: ClinVar variation 133738 (VCV000133738.63), dbSNP rs169547, ClinGen allele CA157623.